The following is an entry in ClinVar:

NM_001220.5(CAMK2B):c.66G>A (p.Lys22=)

Gene: CAMK2B (calcium/calmodulin dependent protein kinase II beta; minus strand). Cytogenetic location: 7p13.
Variant type: single nucleotide variant.
Coding change: c.66G>A on transcript NM_001220.5 (MANE Select); coding-DNA position 66, G replaced by A.
Protein change: p.Lys22=; no amino-acid change (lysine 22 retained).
Molecular consequence: synonymous variant.
Genome position (GRCh38, 1-based): chr7:44,284,225, C>T on the plus strand (G>A on the coding strand, the complement: CAMK2B is on the minus strand). VCF-style: chr7-44284225-C-T. GRCh37 (hg19) VCF-style: chr7-44323824-C-T.
Other names: c.66G>A, p.Lys22= (NM_001293170.2, NM_172078.3, NM_172079.3 and 5 more transcripts).
Identifiers: ClinVar variation 1392143 (VCV001392143.6), dbSNP rs555919613, ClinGen allele CA4240850.

ClinVar aggregate classification (germline): Uncertain significance (1 of 4 stars; one submission).

Allele frequency attached by ClinVar (database versions not stated): gnomAD exomes below 0.00001; ExAC 0.00001; gnomAD 0.00001; 1000 Genomes Project 30x 0.00016; 1000 Genomes Project 0.00020.
gnomAD v4.1: 3 of 1,610,764 alleles (0.00019%); highest among the groups gnomAD compares: African/African-American, 0.0027%; no homozygotes.

Submission:

Labcorp Genetics (formerly Invitae), Labcorp
Classification: Uncertain significance. Last evaluated: 2022-10-25. Review status: criteria provided, single submitter. Criteria: Invitae Variant Classification Sherloc (09022015). Collection method: clinical testing. Allele origin: germline.
Comment: Algorithms developed to predict the effect of sequence changes on RNA splicing suggest that this variant is not likely to affect RNA splicing. In summary, the available evidence is currently insufficient to determine the role of this variant in disease. Therefore, it has been classified as a Variant of Uncertain Significance. ClinVar contains an entry for this variant (Variation ID: 1392143). This variant has not been reported in the literature in individuals affected with CAMK2B-related conditions. This variant is present in population databases (rs555919613, gnomAD 0.007%). This sequence change affects codon 22 of the CAMK2B mRNA. It is a 'silent' change, meaning that it does not change the encoded amino acid sequence of the CAMK2B protein. It affects a nucleotide within the consensus splice site.